The following is an entry in ClinVar:

ClinVar aggregate classification (germline): Conflicting classifications of pathogenicity. Review status: criteria provided, conflicting classifications (1 of 4 stars). 3 submissions from 3 submitters: Uncertain significance (1); Benign (1); Likely benign (1). Last evaluated 2026-05-20.

Conditions:
Ehlers-Danlos syndrome, classic type, 1 (EDSCL1). Also called: Ehlers-Danlos Syndrome, Classic Type, COL5A1-Related; EHLERS-DANLOS SYNDROME, GRAVIS TYPE; EHLERS-DANLOS SYNDROME, SEVERE CLASSIC TYPE; Ehlers-Danlos syndrome, type 1; EDS I. Identifiers: MedGen C0268335, MONDO:0019567, OMIM 130000.
Familial thoracic aortic aneurysm and aortic dissection (TAAD). Also called: Thoracic aortic aneurysms and dissections. Identifiers: Orphanet 91387, MedGen C4707243, MONDO:0019625.

Allele frequency attached by ClinVar (database versions not stated): TOPMed 0.00002; gnomAD exomes 0.00004; gnomAD 0.00002; ExAC 0.00004.
gnomAD v4.1: 24 of 1,613,818 alleles (0.0015%); highest among the groups gnomAD compares: East Asian, 0.038%; no homozygotes.

Submissions (3):

Ambry Genetics
Classification: Likely benign for Familial thoracic aortic aneurysm and aortic dissection. Last evaluated: 2026-05-20. Review status: criteria provided, single submitter. Criteria: Ambry Variant Classification Scheme 2023. Collection method: clinical testing. Allele origin: germline.

Labcorp Genetics (formerly Invitae), Labcorp
Classification: Benign for Ehlers-Danlos syndrome, classic type, 1. Last evaluated: 2025-08-06. Review status: criteria provided, single submitter. Criteria: Invitae Variant Classification Sherloc (09022015). Collection method: clinical testing. Allele origin: germline.

GeneDx
Classification: Uncertain significance. Last evaluated: 2022-07-18. Review status: criteria provided, single submitter. Criteria: GeneDx Variant Classification Process June 2021. Collection method: clinical testing. Allele origin: germline. Affected: yes.
Comment: Not located in the triple helical region, where the majority of pathogenic missense variants occur (PMID: 22696272); In silico analysis supports that this missense variant does not alter protein structure/function; Has not been previously published as pathogenic or benign to our knowledge; This variant is associated with the following publications: (PMID: 22696272)

NM_000093.5(COL5A1):c.1147A>G (p.Thr383Ala)

Gene: COL5A1 (collagen type V alpha 1 chain; plus strand). Cytogenetic location: 9q34.3.
Variant type: single nucleotide variant.
Coding change: c.1147A>G on transcript NM_000093.5 (MANE Select); coding-DNA position 1147, A replaced by G.
Protein change: p.Thr383Ala; replaces threonine 383 with alanine.
Molecular consequence: missense variant.
Genome position (GRCh38, 1-based): chr9:134,730,458, A>G. VCF-style: chr9-134730458-A-G. GRCh37 (hg19) VCF-style: chr9-137622304-A-G.
Other names: p.T383A:ACC>GCC; c.1147A>G, p.Thr383Ala (NM_001278074.1); short protein forms T383A.
Identifiers: ClinVar variation 213019 (VCV000213019.10), dbSNP rs747758069, ClinGen allele CA325417.